The following is an entry in ClinVar:

ClinVar aggregate classification (germline): Uncertain significance. Review status: criteria provided, multiple submitters, no conflicts (2 of 4 stars). 2 submissions from 2 submitters: Uncertain significance (2). Last evaluated 2021-08-03.

Conditions:
Familial sleep-related hypermotor epilepsy. Also called: Autosomal Dominant Sleep-Related Hypermotor (Hyperkinetic) Epilepsy. Identifiers: Orphanet 98784, MedGen C3696898, MONDO:0000030.

Submissions (2):

Labcorp Genetics (formerly Invitae), Labcorp
Classification: Uncertain significance. Last evaluated: 2021-08-03. Review status: criteria provided, single submitter. Criteria: Invitae Variant Classification Sherloc (09022015). Collection method: clinical testing. Allele origin: germline.
Comment: This sequence change affects a donor splice site in intron 3 of the CHRNA2 gene. It is expected to disrupt RNA splicing. Variants that disrupt the donor or acceptor splice site typically lead to a loss of protein function (PMID: 16199547), however the current clinical and genetic evidence is not sufficient to establish whether loss-of-function variants in CHRNA2 cause disease. This variant is not present in population databases (ExAC no frequency). This variant has not been reported in the literature in individuals affected with CHRNA2-related conditions. Disruption of this splice site has been observed in at least one individual who was not affected with CHRNA2-related conditions (Invitae). ClinVar contains an entry for this variant (Variation ID: 422623). Algorithms developed to predict the effect of sequence changes on RNA splicing suggest that this variant may disrupt the consensus splice site. In summary, the available evidence is currently insufficient to determine the role of this variant in disease. Therefore, it has been classified as a Variant of Uncertain Significance.

GeneDx
Classification: Uncertain significance. Last evaluated: 2016-11-02. Review status: criteria provided, single submitter. Criteria: GeneDx Variant Classification (06012015). Collection method: clinical testing. Allele origin: germline. Affected: yes.
Comment: A variant of uncertain significance has been identified in the CHRNA2 gene. The c.294+1 G>A variant has not been published as a pathogenic variant, nor has it been reported as a benign variant to our knowledge. It was not observed in approximately 6,500 individuals of European and African American ancestry in the NHLBI Exome Sequencing Project, indicating it is not a common benign variant in these populations. This substitution occurs at a position that is conserved across species. The c.294+1 G>A splice site variant in the CHRNA2 gene may damage the canonical splice donor site in intron 3 and lead to abnormal gene splicing. However, in the absence of RNA/functional studies, the actual effect of this sequence change in this individual is unknown. Therefore, based on the currently available information, it is unclear whether this variant is a pathogenic variant or a rare benign variant.

Literature cited by the submitters: PubMed 16199547 (cited by Labcorp Genetics (formerly Invitae), Labcorp).

NM_000742.4(CHRNA2):c.294+1G>A

Gene: CHRNA2 (cholinergic receptor nicotinic alpha 2 subunit; minus strand). Cytogenetic location: 8p21.2.
Variant type: single nucleotide variant.
Coding change: c.294+1G>A on transcript NM_000742.4 (MANE Select); the canonical splice donor site of the intron after coding-DNA position 294, G replaced by A.
Molecular consequence: splice donor variant. On other transcripts: intron variant (3).
Genome position (GRCh38, 1-based): chr8:27,469,760, C>T on the plus strand (G>A on the coding strand, the complement: CHRNA2 is on the minus strand). VCF-style: chr8-27469760-C-T. GRCh37 (hg19) VCF-style: chr8-27327277-C-T.
Other names: c.-179+46G>A (NM_001347705.2); c.249+46G>A (NM_001282455.2); c.-168+1G>A (NM_001347708.2); c.-179+1G>A (NM_001347706.2); c.-165+46G>A (NM_001347707.2).
Identifiers: ClinVar variation 422623 (VCV000422623.5), dbSNP rs1064795899, ClinGen allele CA16618626.